The following is an entry in ClinVar:

ClinVar aggregate classification (germline): Uncertain significance (1 of 4 stars; one submission).

Conditions:
Hereditary cancer-predisposing syndrome. Also called: Neoplastic Syndromes, Hereditary; Tumor predisposition; Hereditary Cancer Syndrome; Hereditary neoplastic syndrome. Identifiers: Orphanet 140162, MedGen C0027672, MeSH D009386, MONDO:0015356.

Submission:

Ambry Genetics
Classification: Uncertain significance for Hereditary cancer-predisposing syndrome. Last evaluated: 2022-03-01. Review status: criteria provided, single submitter. Criteria: Ambry Variant Classification Scheme 2023. Collection method: clinical testing. Allele origin: germline.
Comment: The p.G2672A variant (also known as c.8015G>C), located in coding exon 15 of the APC gene, results from a G to C substitution at nucleotide position 8015. The glycine at codon 2672 is replaced by alanine, an amino acid with similar properties. This amino acid position is conserved. In addition, in silico predictors for this gene do not accurately predict pathogenicity. Since supporting evidence is limited at this time, the clinical significance of this alteration remains unclear.

NM_000038.6(APC):c.8015G>C (p.Gly2672Ala)

Gene: APC (APC regulator of Wnt signaling pathway; plus strand). Cytogenetic location: 5q22.2.
Variant type: single nucleotide variant.
Coding change: c.8015G>C on transcript NM_000038.6 (MANE Select); coding-DNA position 8015, G replaced by C.
Protein change: p.Gly2672Ala; replaces glycine 2672 with alanine.
Molecular consequence: missense variant.
Genome position (GRCh38, 1-based): chr5:112,843,609, G>C. VCF-style: chr5-112843609-G-C. GRCh37 (hg19) VCF-style: chr5-112179306-G-C.
Other names: c.8015G>C, p.Gly2672Ala (NM_001127510.3, NM_001354895.2, NM_001407450.1); c.7961G>C, p.Gly2654Ala (NM_001127511.3); c.8069G>C, p.Gly2690Ala (NM_001354896.2, NM_001407447.1, NM_001407448.1 and 1 more transcripts); c.8045G>C, p.Gly2682Ala (NM_001354897.2); c.7940G>C, p.Gly2647Ala (NM_001354898.2); c.7931G>C, p.Gly2644Ala (NM_001354899.2); c.7892G>C, p.Gly2631Ala (NM_001354900.2); c.7838G>C, p.Gly2613Ala (NM_001354901.2, NM_001407453.1); and 11 more; short protein forms G2543A, G2581A, G2631A, G2665A, G2288A, G2571A, G2589A, G2613A.
Identifiers: ClinVar variation 1761661 (VCV001761661.2), dbSNP rs761802169, ClinGen allele CA16038742.